The following is an entry in ClinVar:

ClinVar aggregate classification (germline): Benign/Likely benign. Review status: criteria provided, multiple submitters, no conflicts (2 of 4 stars). 6 submissions from 6 submitters: Benign (1); Likely benign (4). 1 of the submissions does not count toward it. Last evaluated 2025-10-21.

Conditions:
Inborn genetic diseases. Identifiers: MedGen C0950123, MeSH D030342.
Occult macular dystrophy (OCMD). Also called: OCCULT MACULAR DYSTROPHY, SUSCEPTIBILITY TO; OMD. Identifiers: Orphanet 247834, MedGen C3150833, MONDO:0013316, OMIM 613587, HP:0030636.
RP1L1-related disorder. Also called: RP1L1-related condition.

Allele frequency attached by ClinVar (database versions not stated): ExAC 0.00013; TOPMed 0.00027; ESP Exome Variant Server 0.00032; gnomAD 0.00034; 1000 Genomes Project 0.00060; 1000 Genomes Project 30x 0.00078.
gnomAD v4.1: 161 of 1,614,132 alleles (0.01%); highest among the groups gnomAD compares: African/African-American, 0.1%; no homozygotes.

Submissions (6):

Labcorp Genetics (formerly Invitae), Labcorp
Classification: Likely benign. Last evaluated: 2025-10-21. Review status: criteria provided, single submitter. Criteria: Invitae Variant Classification Sherloc (09022015). Collection method: clinical testing. Allele origin: germline.

Ambry Genetics
Classification: Likely benign for Inborn genetic diseases. Last evaluated: 2023-11-28. Review status: criteria provided, single submitter. Criteria: Ambry Variant Classification Scheme 2023. Collection method: clinical testing. Allele origin: germline.

Blueprint Genetics
Classification: Likely benign. Last evaluated: 2023-11-06. Review status: criteria provided, single submitter. Criteria: ACMG Guidelines, 2015. Collection method: clinical testing. Allele origin: germline.

Illumina Laboratory Services, Illumina
Classification: Benign for Occult macular dystrophy. Last evaluated: 2018-01-13. Review status: criteria provided, single submitter. Criteria: ICSL Variant Classification Criteria 13 December 2019. Collection method: clinical testing. Allele origin: germline.
Comment: This variant was observed in the ICSL laboratory as part of a predisposition screen in an ostensibly healthy population. It had not been previously curated by ICSL or reported in the Human Gene Mutation Database (HGMD: prior to June 1st, 2018), and was therefore a candidate for classification through an automated scoring system. Utilizing variant allele frequency, disease prevalence and penetrance estimates, and inheritance mode, an automated score was calculated to assess if this variant is too frequent to cause the disease. Based on the score and internal cut-off values, a variant classified as benign is not then subjected to further curation. The score for this variant resulted in a classification of benign for this disease.

Breakthrough Genomics
Classification: Likely benign. Review status: criteria provided, single submitter. Criteria: ACMG Guidelines, 2015. Collection method: not provided. Allele origin: germline. Inheritance: Autosomal recessive inheritance. Affected: yes.

PreventionGenetics, part of Exact Sciences
Classification: Likely benign for RP1L1-related condition. Last evaluated: 2024-09-05. Review status: no assertion criteria provided. Collection method: clinical testing. Allele origin: germline. Not counted in ClinVar's aggregate classification.
Comment: This variant is classified as likely benign based on ACMG/AMP sequence variant interpretation guidelines (Richards et al. 2015 PMID: 25741868, with internal and published modifications).

NM_178857.6(RP1L1):c.198C>T (p.Asp66=)

Gene: RP1L1 (RP1 like 1). Cytogenetic location: 8p23.1.
Variant type: single nucleotide variant.
Coding change: c.198C>T on transcript NM_178857.6 (MANE Select); coding-DNA position 198, C replaced by T.
Protein change: p.Asp66=; no amino-acid change (aspartic acid 66 retained).
Molecular consequence: synonymous variant.
Genome position (GRCh38, 1-based): chr8:10,623,004, G>A on the plus strand (C>T on the coding strand, the complement: RP1L1 is on the minus strand). VCF-style: chr8-10623004-G-A. GRCh37 (hg19) VCF-style: chr8-10480514-G-A.
Identifiers: ClinVar variation 908816 (VCV000908816.16), dbSNP rs148800956, ClinGen allele CA4625824.
Genomic context (GRCh38, chr8:10,623,004, plus strand): 5'-GCCCCGGGGTGTGGTGACAGAGCGCACCCCAAAGGAGAGAGGCACGCGCTGGGAGAGCTC[G>A]TCCATGAGGGCGCTGAAGGTCTTAAAGGCGCGCTGGTGAACGGCCAGGCGGACCCCAGCA-3'
Protein context (NP_849188.4, residues 56-76): RAFKTFSALM[Asp66=]ELSQRVPLSF